The following is an entry in ClinVar:

ClinVar aggregate classification (germline): Benign/Likely benign. Review status: criteria provided, multiple submitters, no conflicts (2 of 4 stars). 4 submissions from 4 submitters: Benign (1); Likely benign (3). Last evaluated 2026-09-03.

Conditions:
CLPB-related disorder. Also called: CLPB-related condition.
3-methylglutaconic aciduria, type VIIB (MGCA7B). Also called: 3-methylglutaconic aciduria, type VII, with cataracts, neurologic involvement and neutropenia; CLPB Deficiency; 3-methylglutaconic aciduria with cataracts, neurologic involvement and neutropenia. Identifiers: Orphanet 445038, MedGen C5676893, MONDO:0014561, OMIM 616271.

Allele frequency attached by ClinVar (database versions not stated): TOPMed 0.00006; gnomAD 0.00011; ESP Exome Variant Server 0.00015; ExAC 0.00016; gnomAD exomes 0.00023.
gnomAD v4.1: 167 of 1,613,468 alleles (0.01%); highest among the groups gnomAD compares: Non-Finnish European, 0.002%; no homozygotes.

Submissions (4):

PreventionGenetics, part of Exact Sciences
Classification: Likely benign for CLPB-related condition. Last evaluated: 2026-09-03. Review status: criteria provided, single submitter. Criteria: ACMG Guidelines, 2015. Collection method: clinical testing. Allele origin: germline.
Comment: This variant is classified as likely benign based on ACMG/AMP sequence variant interpretation guidelines (Richards et al. 2015 PMID: 25741868, with internal and published modifications).

Labcorp Genetics (formerly Invitae), Labcorp
Classification: Benign for 3-methylglutaconic aciduria, type VIIB. Last evaluated: 2025-12-21. Review status: criteria provided, single submitter. Criteria: Invitae Variant Classification Sherloc (09022015). Collection method: clinical testing. Allele origin: germline.

Blueprint Genetics
Classification: Likely benign. Last evaluated: 2024-06-18. Review status: criteria provided, single submitter. Criteria: ACMG Guidelines, 2015. Collection method: clinical testing. Allele origin: germline.

GeneDx
Classification: Likely benign. Last evaluated: 2021-05-27. Review status: criteria provided, single submitter. Criteria: GeneDx Variant Classification Process June 2021. Collection method: clinical testing. Allele origin: germline. Affected: yes.

NM_001258392.3(CLPB):c.690C>T (p.Asn230=)

Gene: CLPB (ClpB family mitochondrial disaggregase; minus strand). Cytogenetic location: 11q13.4.
Variant type: single nucleotide variant.
Coding change: c.690C>T on transcript NM_001258392.3 (MANE Select); coding-DNA position 690, C replaced by T.
Protein change: p.Asn230=; no amino-acid change (asparagine 230 retained).
Molecular consequence: synonymous variant.
Genome position (GRCh38, 1-based): chr11:72,358,965, G>A on the plus strand (C>T on the coding strand, the complement: CLPB is on the minus strand). VCF-style: chr11-72358965-G-A. GRCh37 (hg19) VCF-style: chr11-72070009-G-A.
Other names: c.603C>T, p.Asn201= (NM_001258393.3); c.645C>T, p.Asn215= (NM_001258394.3); c.780C>T, p.Asn260= (NM_030813.6).
Identifiers: ClinVar variation 508404 (VCV000508404.14), dbSNP rs200517382, ClinGen allele CA6171429.